The following is an entry in ClinVar:

NM_001039958.2(MESP2):c.498C>A (p.Pro166=)

Gene: MESP2 (mesoderm posterior bHLH transcription factor 2; plus strand). Cytogenetic location: 15q26.1.
Variant type: single nucleotide variant.
Coding change: c.498C>A on transcript NM_001039958.2 (MANE Select); coding-DNA position 498, C replaced by A.
Protein change: p.Pro166=; no amino-acid change (proline 166 retained).
Molecular consequence: synonymous variant.
Genome position (GRCh38, 1-based): chr15:89,776,855, C>A. VCF-style: chr15-89776855-C-A. GRCh37 (hg19) VCF-style: chr15-90320086-C-A.
Identifiers: ClinVar variation 731367 (VCV000731367.17), dbSNP rs200336355, ClinGen allele CA7730430.

ClinVar aggregate classification (germline): Benign. Review status: criteria provided, multiple submitters, no conflicts (2 of 4 stars). 3 submissions from 3 submitters: Benign (2). 1 of the submissions does not count toward it. Last evaluated 2026-01-28.

Conditions:
Spondylocostal dysostosis 2, autosomal recessive (SCDO2). Also called: MESP2-Related Spondylocostal Dysostosis, Autosomal Recessive; Spondylocostal dysostosis type 2. Identifiers: Orphanet 2311, MedGen C1837549, MONDO:0012097, OMIM 608681.

Allele frequency attached by ClinVar (database versions not stated): 1000 Genomes Project 30x 0.00062; TOPMed 0.00092.

Submissions (3):

Labcorp Genetics (formerly Invitae), Labcorp
Classification: Benign. Last evaluated: 2026-01-28. Review status: criteria provided, single submitter. Criteria: Invitae Variant Classification Sherloc (09022015). Collection method: clinical testing. Allele origin: germline.

Illumina Laboratory Services, Illumina
Classification: Benign for Spondylocostal dysostosis 2, autosomal recessive. Last evaluated: 2018-01-13. Review status: criteria provided, single submitter. Criteria: ICSL Variant Classification Criteria 13 December 2019. Collection method: clinical testing. Allele origin: germline.
Comment: This variant was observed in the ICSL laboratory as part of a predisposition screen in an ostensibly healthy population. It had not been previously curated by ICSL or reported in the Human Gene Mutation Database (HGMD: prior to June 1st, 2018), and was therefore a candidate for classification through an automated scoring system. Utilizing variant allele frequency, disease prevalence and penetrance estimates, and inheritance mode, an automated score was calculated to assess if this variant is too frequent to cause the disease. Based on the score and internal cut-off values, a variant classified as benign is not then subjected to further curation. The score for this variant resulted in a classification of benign for this disease.

Natera, Inc.
Classification: Likely benign for Spondylocostal dysostosis type 2. Last evaluated: 2019-10-24. Review status: no assertion criteria provided. Collection method: clinical testing. Allele origin: germline. Not counted in ClinVar's aggregate classification.